The following is an entry in ClinVar:

ClinVar aggregate classification (germline): Pathogenic (1 of 4 stars; one submission).

Conditions:
Polycystic kidney disease, adult type (PKD1). Also called: Polycystic Kidney Disease 1, Autosomal Dominant; POLYCYSTIC KIDNEY DISEASE, ADULT, TYPE I; Polycystic kidney disease 1; Polycystic kidney disease 1, severe; POLYCYSTIC KIDNEY DISEASE 1 WITH OR WITHOUT POLYCYSTIC LIVER DISEASE; Polycystic Kidney, Autosomal Dominant. Identifiers: MedGen C3149841, MONDO:0008263, OMIM 173900.

Submission:

MVZ Medizinische Genetik Mainz
Classification: Pathogenic for Polycystic kidney disease, adult type. Last evaluated: 2026-06-16. Review status: criteria provided, single submitter. Criteria: UK Practice Guidelines For Variant Classification V4 01 2020. Collection method: clinical testing. Allele origin: germline. Inheritance: Autosomal dominant inheritance. Affected: yes. Observed: 1 variant allele.
Comment: ACMG Criteria: PVS1,PM2_SUP,PP4

NM_001009944.3(PKD1):c.12014_12034dup (p.Trp4012Ter)

Gene: PKD1 (polycystin 1, transient receptor potential channel interacting; minus strand). Cytogenetic location: 16p13.3.
Variant type: Duplication.
Coding change: c.12014_12034dup on transcript NM_001009944.3 (MANE Select); coding-DNA positions 12014 to 12034, 21 bases duplicated (AGCTACGCTTCGTGCGCCAGT).
Protein change: p.Trp4012Ter; replaces tryptophan 4012 with a stop codon.
Molecular consequence: nonsense.
Genome position (GRCh38, 1-based): chr16:2,090,778-2,090,798, ACTGGCGCACGAAGCGTAGCT duplicated on the plus strand (AGCTACGCTTCGTGCGCCAGT on the coding strand, the reverse complement: PKD1 is on the minus strand). VCF-style (leftmost placement, unchanged base first): chr16-2090777-C-CACTGGCGCACGAAGCGTAGCT. GRCh37 (hg19) VCF-style: chr16-2140778-C-CACTGGCGCACGAAGCGTAGCT.
Other names: c.12011_12031dup, p.Trp4011Ter (NM_000296.4); short protein forms W4011*, W4012*.
Identifiers: ClinVar variation 5038238 (VCV005038238.1).